The following is an entry in ClinVar:

NM_017672.6(TRPM7):c.4074T>G (p.Ser1358Arg)

Genes: TRPM7 (transient receptor potential cation channel subfamily M member 7; minus strand), LOC126862130 (BRD4-independent group 4 enhancer GRCh37_chr15:50884350-50885549; plus strand). Cytogenetic location: 15q21.2.
Variant type: single nucleotide variant.
Coding change: c.4074T>G on transcript NM_017672.6 (MANE Select); coding-DNA position 4074, T replaced by G.
Protein change: p.Ser1358Arg; replaces serine 1358 with arginine.
Molecular consequence: missense variant. On other transcripts: non-coding transcript variant (3).
Genome position (GRCh38, 1-based): chr15:50,592,161, A>C on the plus strand (T>G on the coding strand, the complement: TRPM7 is on the minus strand). VCF-style: chr15-50592161-A-C. GRCh37 (hg19) VCF-style: chr15-50884358-A-C.
Other names: c.4074T>G, p.Ser1358Arg (NM_001301212.2); c.4074T>G (NM_017672.4); short protein forms S1358R.
Identifiers: ClinVar variation 3336067 (VCV003336067.2).
Genomic context (GRCh38, chr15:50,592,161, plus strand): 5'-AAATATTTTTAAGAGTTCTACCCCATGTAGTCTCTGTCGCAGTTCTGGAGGGGAAACAGC[A>C]CTTGGGAATAAGGCACCAGAAGAGGAACCAGCCTCTGGAAAATTAAATTCTTTTCTCTGG-3'
Protein context (NP_060142.3, residues 1348-1368): AGSSSGALFP[Ser1358Arg]AVSPPELRQR

ClinVar aggregate classification (germline): Uncertain significance. Review status: criteria provided, multiple submitters, no conflicts (2 of 4 stars). 2 submissions from 2 submitters: Uncertain significance (2). Last evaluated 2025-08-29.

gnomAD v4.1: 1 of 1,614,036 alleles (0.000062%); highest among the groups gnomAD compares: Non-Finnish European, 0.000085%; no homozygotes.

Submissions (2):

Ambry Genetics
Classification: Uncertain significance. Last evaluated: 2025-08-29. Review status: criteria provided, single submitter. Criteria: Ambry Variant Classification Scheme 2023. Collection method: clinical testing. Allele origin: germline.

Women's Health and Genetics/Laboratory Corporation of America, LabCorp
Classification: Uncertain significance. Last evaluated: 2024-05-09. Review status: criteria provided, single submitter. Criteria: LabCorp Variant Classification Summary - May 2015. Collection method: clinical testing. Allele origin: germline.
Comment: Variant summary: TRPM7 c.4074T>G (p.Ser1358Arg) results in a non-conservative amino acid change in the encoded protein sequence. Four of five in-silico tools predict a benign effect of the variant on protein function. The variant allele was found at a frequency of 8e-06 in 248746 control chromosomes. The available data on variant occurrences in the general population are insufficient to allow any conclusion about variant significance. To our knowledge, no occurrence of c.4074T>G in individuals affected with Amyotrophic Lateral Sclerosis-Parkinsonism Complex and no experimental evidence demonstrating its impact on protein function have been reported. No submitters have cited clinical-significance assessments for this variant to ClinVar. Based on the evidence outlined above, the variant was classified as uncertain significance.